The following is an entry in ClinVar:

ClinVar aggregate classification (germline): Conflicting classifications of pathogenicity. Review status: criteria provided, conflicting classifications (1 of 4 stars). 2 submissions from 2 submitters: Uncertain significance (1); Likely benign (1). Last evaluated 2025-12-23.

Conditions:
Hereditary cancer-predisposing syndrome. Also called: Hereditary neoplastic syndrome; Neoplastic Syndromes, Hereditary; Hereditary Cancer Syndrome; Tumor predisposition. Identifiers: Orphanet 140162, MedGen C0027672, MeSH D009386, MONDO:0015356.

Allele frequency attached by ClinVar (database versions not stated): gnomAD below 0.00001 and 0.00002; ExAC 0.00007; 1000 Genomes Project 30x 0.00016; 1000 Genomes Project 0.00020.
gnomAD v4.1: 59 of 1,613,968 alleles (0.0037%); highest among the groups gnomAD compares: South Asian, 0.065%; 2 homozygotes.

Submissions (2):

Labcorp Genetics (formerly Invitae), Labcorp
Classification: Uncertain significance. Last evaluated: 2025-12-23. Review status: criteria provided, single submitter. Criteria: Invitae Variant Classification Sherloc (09022015). Collection method: clinical testing. Allele origin: germline.
Comment: This sequence change replaces histidine, which is basic and polar, with aspartic acid, which is acidic and polar, at codon 1356 of the POLE protein (p.His1356Asp). This variant is present in population databases (rs557732922, gnomAD 0.07%). This variant has not been reported in the literature in individuals affected with POLE-related conditions. ClinVar contains an entry for this variant (Variation ID: 967289). Invitae Evidence Modeling of protein sequence and biophysical properties (such as structural, functional, and spatial information, amino acid conservation, physicochemical variation, residue mobility, and thermodynamic stability) indicates that this missense variant is expected to disrupt POLE protein function with a positive predictive value of 80%. In summary, the available evidence is currently insufficient to determine the role of this variant in disease. Therefore, it has been classified as a Variant of Uncertain Significance.

Ambry Genetics
Classification: Likely benign for Hereditary cancer-predisposing syndrome. Last evaluated: 2024-02-27. Review status: criteria provided, single submitter. Criteria: Ambry Variant Classification Scheme 2023. Collection method: clinical testing. Allele origin: germline.

NM_006231.4(POLE):c.4066C>G (p.His1356Asp)

Gene: POLE (DNA polymerase epsilon, catalytic subunit; minus strand). Cytogenetic location: 12q24.33.
Variant type: single nucleotide variant.
Coding change: c.4066C>G on transcript NM_006231.4 (MANE Select); coding-DNA position 4066, C replaced by G.
Protein change: p.His1356Asp; replaces histidine 1356 with aspartic acid.
Molecular consequence: missense variant.
Genome position (GRCh38, 1-based): chr12:132,649,012, G>C on the plus strand (C>G on the coding strand, the complement: POLE is on the minus strand). VCF-style: chr12-132649012-G-C. GRCh37 (hg19) VCF-style: chr12-133225598-G-C.
Other names: short protein forms H1356D.
Identifiers: ClinVar variation 967289 (VCV000967289.9), dbSNP rs557732922, ClinGen allele CA6893007.